The following is an entry in ClinVar:

NM_177550.5(SLC13A5):c.1437+15del

Gene: SLC13A5 (solute carrier family 13 member 5; minus strand). Cytogenetic location: 17p13.1.
Variant type: Deletion.
Coding change: c.1437+15del on transcript NM_177550.5 (MANE Select); 15 bases into the intron after coding-DNA position 1437, one base deleted (A; older notation c.1437+15delA).
Molecular consequence: intron variant.
Genome position (GRCh38, 1-based): chr17:6,690,764, T deleted on the plus strand (A on the coding strand, the reverse complement: SLC13A5 is on the minus strand). VCF-style (leftmost placement, unchanged base first): chr17-6690763-CT-C. GRCh37 (hg19) VCF-style: chr17-6594082-CT-C.
Other names: c.1308+15del (NM_001284510.2); c.1386+15del (NM_001284509.2); c.1437+15del (NM_001143838.3); c.1437+15delA (NM_177550.4).
Identifiers: ClinVar variation 509975 (VCV000509975.9), dbSNP rs1555540915, ClinGen allele CA658798689.

ClinVar aggregate classification (germline): Likely benign. Review status: criteria provided, multiple submitters, no conflicts (2 of 4 stars). 2 submissions from 2 submitters: Likely benign (2). Last evaluated 2021-09-15.

Conditions:
Developmental and epileptic encephalopathy, 25 (DEE25). Also called: Epileptic encephalopathy, early infantile, 25; Developmental and epileptic encephalopathy 25, with amelogenesis imperfecta; Epileptic encephalopathy, early infantile, 25, with amelogenesis imperfecta. Identifiers: Orphanet 442835, MedGen C4014621, MONDO:0014392, OMIM 615905.

Submissions (2):

Labcorp Genetics (formerly Invitae), Labcorp
Classification: Likely benign for Developmental and epileptic encephalopathy, 25. Last evaluated: 2021-09-15. Review status: criteria provided, single submitter. Criteria: Invitae Variant Classification Sherloc (09022015). Collection method: clinical testing. Allele origin: germline.

GeneDx
Classification: Likely benign. Last evaluated: 2017-06-06. Review status: criteria provided, single submitter. Criteria: GeneDx Variant Classification (06012015). Collection method: clinical testing. Allele origin: germline. Affected: yes.
Comment: This variant is considered likely benign or benign based on one or more of the following criteria: it is a conservative change, it occurs at a poorly conserved position in the protein, it is predicted to be benign by multiple in silico algorithms, and/or has population frequency not consistent with disease.